The following is an entry in ClinVar:

NM_001374736.1(DST):c.15271G>A (p.Asp5091Asn)

Gene: DST (dystonin; minus strand). Cytogenetic location: 6p12.1.
Variant type: single nucleotide variant.
Coding change: c.15271G>A on transcript NM_001374736.1 (MANE Select); coding-DNA position 15271, G replaced by A.
Protein change: p.Asp5091Asn; replaces aspartic acid 5091 with asparagine.
Molecular consequence: missense variant.
Genome position (GRCh38, 1-based): chr6:56,553,521, C>T on the plus strand (G>A on the coding strand, the complement: DST is on the minus strand). VCF-style: chr6-56553521-C-T. GRCh37 (hg19) VCF-style: chr6-56418319-C-T.
Other names: c.8914G>A, p.Asp2972Asn (NM_001144769.5); c.8500G>A, p.Asp2834Asn (NM_001144770.2); c.15271G>A, p.Asp5091Asn (NM_001374722.1); c.14638G>A, p.Asp4880Asn (NM_001374729.1); c.8380G>A, p.Asp2794Asn (NM_001374730.1, NM_183380.4); c.15298G>A, p.Asp5100Asn (NM_001374734.1); c.7402G>A, p.Asp2468Asn (NM_015548.5); short protein forms D4880N, D5091N, D2794N, D5100N, D2468N, D2834N, D2972N.
Identifiers: ClinVar variation 965143 (VCV000965143.10), dbSNP rs148831744, ClinGen allele CA3867840.

ClinVar aggregate classification (germline): Conflicting classifications of pathogenicity. Review status: criteria provided, conflicting classifications (1 of 4 stars). 4 submissions from 4 submitters: Uncertain significance (3); Likely benign (1). Last evaluated 2025-03-30.

Conditions:
Inborn genetic diseases. Identifiers: MedGen C0950123, MeSH D030342.
Epidermolysis bullosa simplex 3, localized or generalized intermediate, with BP230 deficiency (EBS3). Also called: Epidermolysis bullosa simplex, autosomal recessive 2; Epidermolysis bullosa simplex due to BP230 deficiency. Identifiers: Orphanet 412181, MedGen C3809470, MONDO:0014180, OMIM 615425.
Hereditary sensory and autonomic neuropathy type 6. Also called: HSAN VI; Neuropathy, hereditary sensory and autonomic, type VI. Identifiers: Orphanet 314381, MedGen C3539003, MONDO:0013839, OMIM 614653.
DST-related disorder. Also called: DST-related condition; DST-related disorders.

Allele frequency attached by ClinVar (database versions not stated): gnomAD exomes 0.00005 and 0.00014; ExAC 0.00017; ESP Exome Variant Server 0.00025; gnomAD 0.00046; TOPMed 0.00047; 1000 Genomes Project 0.00100; 1000 Genomes Project 30x 0.00125.
gnomAD v4.1: 145 of 1,613,896 alleles (0.009%); highest among the groups gnomAD compares: African/African-American, 0.14%; no homozygotes.

Submissions (4):

PreventionGenetics, part of Exact Sciences
Classification: Likely benign for DST-related condition. Last evaluated: 2025-03-30. Review status: criteria provided, single submitter. Criteria: ACMG Guidelines, 2015. Collection method: clinical testing. Allele origin: germline.
Comment: This variant is classified as likely benign based on ACMG/AMP sequence variant interpretation guidelines (Richards et al. 2015 PMID: 25741868, with internal and published modifications).

Labcorp Genetics (formerly Invitae), Labcorp
Classification: Uncertain significance for Epidermolysis bullosa simplex 3, localized or generalized intermediate, with BP230 deficiency; Hereditary sensory and autonomic neuropathy type 6. Last evaluated: 2024-10-19. Review status: criteria provided, single submitter. Criteria: Invitae Variant Classification Sherloc (09022015). Collection method: clinical testing. Allele origin: germline.
Comment: The DST gene has multiple clinically relevant transcripts. This variant occurs in alternate transcript NM_015548.4, and corresponds to NM_001723.5:c.*61996G>A in the primary transcript. This sequence change replaces aspartic acid, which is acidic and polar, with asparagine, which is neutral and polar, at codon 2468 of the DST protein (p.Asp2468Asn). This variant is present in population databases (rs148831744, gnomAD 0.2%). This variant has not been reported in the literature in individuals affected with DST-related conditions. ClinVar contains an entry for this variant (Variation ID: 965143). An algorithm developed to predict the effect of missense changes on protein structure and function outputs the following: PolyPhen-2: "Not Available". The asparagine amino acid residue is found in multiple mammalian species, which suggests that this missense change does not adversely affect protein function. In summary, the available evidence is currently insufficient to determine the role of this variant in disease. Therefore, it has been classified as a Variant of Uncertain Significance.

Ambry Genetics
Classification: Uncertain significance for Inborn genetic diseases. Last evaluated: 2020-12-31. Review status: criteria provided, single submitter. Criteria: Ambry Variant Classification Scheme 2023. Collection method: clinical testing. Allele origin: germline.
Comment: The p.D2972N variant (also known as c.8914G>A), located in coding exon 55 of the DST gene, results from a G to A substitution at nucleotide position 8914. The aspartic acid at codon 2972 is replaced by asparagine, an amino acid with highly similar properties. This amino acid position is not well conserved in available vertebrate species, and asparagine is the reference amino acid in other vertebrate species. In addition, this alteration is predicted to be tolerated by in silico analysis. Since supporting evidence is limited at this time, the clinical significance of this alteration remains unclear.

CENTOGENE GmbH and LLC - Guiding Precision Medicine
Classification: Uncertain significance for Hereditary sensory and autonomic neuropathy type 6. Last evaluated: 2018-07-13. Review status: criteria provided, single submitter. Criteria: ACMG Guidelines, 2015. Collection method: clinical testing. Allele origin: germline. Affected: yes.